The following is an entry in ClinVar:

ClinVar aggregate classification (germline): Likely pathogenic (1 of 4 stars; one submission).

Conditions:
Dilated cardiomyopathy 1G (CMD1G). Identifiers: Orphanet 154, MedGen C1858763, MONDO:0011400, OMIM 604145.
Autosomal recessive limb-girdle muscular dystrophy type 2J (LGMDR10). Also called: Limb-girdle muscular dystrophy, type 2J; MUSCULAR DYSTROPHY, LIMB-GIRDLE, AUTOSOMAL RECESSIVE 10. Identifiers: Orphanet 140922, MedGen C1837342, MONDO:0012127, OMIM 608807.

Allele frequency attached by ClinVar (database versions not stated): TOPMed below 0.00001.

Submission:

Labcorp Genetics (formerly Invitae), Labcorp
Classification: Likely pathogenic for Dilated cardiomyopathy 1G; Autosomal recessive limb-girdle muscular dystrophy type 2J. Last evaluated: 2023-12-06. Review status: criteria provided, single submitter. Criteria: Invitae Variant Classification Sherloc (09022015). Collection method: clinical testing. Allele origin: germline.
Comment: This sequence change creates a premature translational stop signal (p.Pro34889Argfs*3) in the TTN gene. While this is not anticipated to result in nonsense mediated decay, it is expected to create a truncated TTN protein. This variant is not present in population databases (gnomAD no frequency). This variant has not been reported in the literature in individuals affected with TTN-related conditions. ClinVar contains an entry for this variant (Variation ID: 840607). This variant is located in the M band of TTN (PMID: 25589632). Truncating variants in this region have been previously reported in individuals affected with autosomal recessive myopathy and muscular dystrophy (PMID: 18948003, 23975875, 24395473). Truncating variants in this region have also been identified in individuals affected with autosomal dominant dilated cardiomyopathy and/or cardio-related conditions (PMID: 27869827, 32964742). In summary, the currently available evidence indicates that the variant is pathogenic, but additional data are needed to prove that conclusively. Therefore, this variant has been classified as Likely Pathogenic.

Literature cited by the submitters: PubMed 25589632; PubMed 18948003; PubMed 23975875; PubMed 24395473; PubMed 27869827; PubMed 32964742.

NM_001267550.2(TTN):c.104666_104667del (p.Pro34889fs)

Genes: TTN (titin; minus strand), TTN-AS1 (TTN antisense RNA 1; plus strand). Cytogenetic location: 2q31.2.
Variant type: Deletion.
Coding change: c.104666_104667del on transcript NM_001267550.2 (MANE Select); coding-DNA positions 104666 to 104667, 2 bases deleted (CT; older notation c.104666_104667delCT).
Protein change: p.Pro34889fs; shifts the reading frame from proline 34889.
Molecular consequence: frameshift variant.
Genome position (GRCh38, 1-based): chr2:178,531,948-178,531,949, AG deleted on the plus strand (CT on the coding strand, the reverse complement: TTN is on the minus strand). VCF-style (leftmost placement, unchanged base first): chr2-178531947-CAG-C. GRCh37 (hg19) VCF-style: chr2-179396674-CAG-C.
Other names: c.99743_99744del, p.Pro33248fs (NM_001256850.1); c.77471_77472del, p.Pro25824fs (NM_003319.4); c.96962_96963del, p.Pro32321fs (NM_133378.4); c.77846_77847del, p.Pro25949fs (NM_133432.3); c.78047_78048del, p.Pro26016fs (NM_133437.4); short protein forms P25949fs, P34889fs, P25824fs, P33248fs, P26016fs, P32321fs.
Identifiers: ClinVar variation 840607 (VCV000840607.10), dbSNP rs1689304332, ClinGen allele CA916081325.